The following is an entry in ClinVar:

ClinVar aggregate classification (germline): Likely pathogenic (1 of 4 stars; one submission).

Conditions:
Developmental delay with variable intellectual impairment and behavioral abnormalities. Identifiers: MedGen C5193092, MONDO:0032745, OMIM 618430.

Submission:

Women's Health and Genetics/Laboratory Corporation of America, LabCorp
Classification: Likely pathogenic for Developmental delay with variable intellectual impairment and behavioral abnormalities. Last evaluated: 2022-05-12. Review status: criteria provided, single submitter. Criteria: LabCorp Variant Classification Summary - May 2015. Collection method: clinical testing. Allele origin: germline.
Comment: Variant summary: TCF20 c.5641dupA (p.Ile1881AsnfsX35) results in a premature termination codon, predicted to cause a truncation of the encoded protein or absence of the protein due to nonsense mediated decay, which are commonly known mechanisms for disease. Truncations downstream of this position have been classified as pathogenic within ClinVar (e.g. c.5719del, p.Arg1907fs). The variant was absent in 245092 control chromosomes (gnomAD). To our knowledge, no occurrence of c.5641dupA in individuals affected with Developmental Delay With Variable Intellectual Impairment And Behavioral Abnormalities and no experimental evidence demonstrating its impact on protein function have been reported. No clinical diagnostic laboratories have submitted clinical-significance assessments for this variant to ClinVar after 2014. Based on the evidence outlined above, the variant was classified as likely pathogenic.

NM_001378418.1(TCF20):c.5641dup (p.Ile1881fs)

Gene: TCF20 (transcription factor 20; minus strand). Cytogenetic location: 22q13.2.
Variant type: Duplication.
Coding change: c.5641dup on transcript NM_001378418.1 (MANE Select); coding-DNA position 5641, one base duplicated (A; older notation c.5641dupA).
Protein change: p.Ile1881fs; shifts the reading frame from isoleucine 1881.
Molecular consequence: frameshift variant.
Genome position (GRCh38, 1-based): chr22:42,209,665, T duplicated on the plus strand (A on the coding strand, the reverse complement: TCF20 is on the minus strand); the first of 3 consecutive T bases (chr22:42,209,665-42,209,667); duplicating any one gives the same sequence. VCF-style (leftmost placement, unchanged base first): chr22-42209664-A-AT. GRCh37 (hg19) VCF-style: chr22-42605670-A-AT.
Other names: c.5641dup, p.Ile1881fs (NM_005650.4, NM_181492.3); short protein forms I1881fs.
Identifiers: ClinVar variation 1696276 (VCV001696276.1), dbSNP rs2147193284, ClinGen allele CA2580099878.